The following is an entry in ClinVar:

ClinVar aggregate classification (germline): Uncertain significance (1 of 4 stars; one submission).

Conditions:
Cardiovascular phenotype. Identifiers: MedGen CN230736.

gnomAD v4.1: 1 of 1,613,666 alleles (0.000062%); highest among the groups gnomAD compares: Non-Finnish European, 0.000085%; no homozygotes.

Submission:

Ambry Genetics
Classification: Uncertain significance for Cardiovascular phenotype. Last evaluated: 2026-09-11. Review status: criteria provided, single submitter. Criteria: Ambry Variant Classification Scheme 2023. Collection method: clinical testing. Allele origin: germline.
Comment: The p.A73V variant (also known as c.218C>T), located in coding exon 3 of the APOB gene, results from a C to T substitution at nucleotide position 218. The alanine at codon 73 is replaced by valine, an amino acid with similar properties. This amino acid position is conserved. In addition, this alteration is predicted to be tolerated by in silico analysis. Based on the available evidence, the clinical significance of this variant remains unclear.

NM_000384.3(APOB):c.218C>T (p.Ala73Val)

Genes: APOB (apolipoprotein B; minus strand), LOC106560211 (APOB 5' regulatory region; plus strand). Cytogenetic location: 2p24.1.
Variant type: single nucleotide variant.
Coding change: c.218C>T on transcript NM_000384.3 (MANE Select); coding-DNA position 218, C replaced by T.
Protein change: p.Ala73Val; replaces alanine 73 with valine.
Molecular consequence: missense variant.
Genome position (GRCh38, 1-based): chr2:21,042,380, G>A on the plus strand (C>T on the coding strand, the complement: APOB is on the minus strand). VCF-style: chr2-21042380-G-A. GRCh37 (hg19) VCF-style: chr2-21265252-G-A.
Other names: short protein forms A73V.
Identifiers: ClinVar variation 4862933 (VCV004862933.2).